The following is an entry in ClinVar:

ClinVar aggregate classification (germline): Likely benign. Review status: criteria provided, multiple submitters, no conflicts (2 of 4 stars). 4 submissions from 4 submitters: Likely benign (4). Last evaluated 2026-09-01.

Allele frequency attached by ClinVar (database versions not stated): ExAC 0.00005; TOPMed 0.00006; gnomAD 0.00003 and 0.00004; gnomAD exomes 0.00003.
gnomAD v4.1: 17 of 1,552,486 alleles (0.0011%); highest among the groups gnomAD compares: Admixed American, 0.0059%; no homozygotes.

Submissions (4):

CeGaT Center for Human Genetics Tuebingen
Classification: Likely benign. Last evaluated: 2026-09-01. Review status: criteria provided, single submitter. Criteria: CeGaT Center For Human Genetics Tuebingen Variant Classification Criteria Version 2. Collection method: clinical testing. Allele origin: germline. Affected: yes. Observed: 1 variant allele.
Comment: COL2A1: BP4, BP7

Labcorp Genetics (formerly Invitae), Labcorp
Classification: Likely benign. Last evaluated: 2025-07-06. Review status: criteria provided, single submitter. Criteria: Invitae Variant Classification Sherloc (09022015). Collection method: clinical testing. Allele origin: germline.

Blueprint Genetics
Classification: Likely benign. Last evaluated: 2021-02-10. Review status: criteria provided, single submitter. Criteria: ACMG Guidelines, 2015. Collection method: clinical testing. Allele origin: germline.

GeneDx
Classification: Likely benign. Last evaluated: 2019-03-26. Review status: criteria provided, single submitter. Criteria: GeneDx Variant Classification Process June 2021. Collection method: clinical testing. Allele origin: germline. Affected: yes.

NM_001844.5(COL2A1):c.2499G>A (p.Ala833=)

Gene: COL2A1 (collagen type II alpha 1 chain; minus strand). Cytogenetic location: 12q13.11.
Variant type: single nucleotide variant.
Coding change: c.2499G>A on transcript NM_001844.5 (MANE Select); coding-DNA position 2499, G replaced by A.
Protein change: p.Ala833=; no amino-acid change (alanine 833 retained).
Molecular consequence: synonymous variant.
Genome position (GRCh38, 1-based): chr12:47,980,933, C>T on the plus strand (G>A on the coding strand, the complement: COL2A1 is on the minus strand). VCF-style: chr12-47980933-C-T. GRCh37 (hg19) VCF-style: chr12-48374716-C-T.
Other names: c.2292G>A, p.Ala764= (NM_033150.3).
Identifiers: ClinVar variation 514590 (VCV000514590.13), dbSNP rs779244918, ClinGen allele CA6535070.